The following is an entry in ClinVar:

ClinVar aggregate classification (germline): Uncertain significance (1 of 4 stars; one submission).

Conditions:
Psoriasis 2. Identifiers: MedGen C1864497, MONDO:0011269, OMIM 602723.
Pityriasis rubra pilaris (PRP). Also called: Pityriasis rubra pilaris--familial type. Identifiers: Orphanet 2897, MedGen C0032027, MONDO:0100017, OMIM 173200, MONDO:0008251.

gnomAD v4.1: 1 of 1,613,508 alleles (0.000062%); highest among the groups gnomAD compares: Non-Finnish European, 0.000085%; no homozygotes.

Submission:

Labcorp Genetics (formerly Invitae), Labcorp
Classification: Uncertain significance for Pityriasis rubra pilaris; Psoriasis 2. Last evaluated: 2024-10-17. Review status: criteria provided, single submitter. Criteria: Invitae Variant Classification Sherloc (09022015). Collection method: clinical testing. Allele origin: germline.
Comment: This sequence change creates a premature translational stop signal (p.Gln582*) in the CARD14 gene. It is expected to result in an absent or disrupted protein product. However, the current clinical and genetic evidence is not sufficient to establish whether loss-of-function variants in CARD14 cause disease. This variant is not present in population databases (gnomAD no frequency). This variant has not been reported in the literature in individuals affected with CARD14-related conditions. In summary, the available evidence is currently insufficient to determine the role of this variant in disease. Therefore, it has been classified as a Variant of Uncertain Significance.

NM_001366385.1(CARD14):c.1744C>T (p.Gln582Ter)

Gene: CARD14 (caspase recruitment domain family member 14; plus strand). Cytogenetic location: 17q25.3.
Variant type: single nucleotide variant.
Coding change: c.1744C>T on transcript NM_001366385.1 (MANE Select); coding-DNA position 1744, C replaced by T.
Protein change: p.Gln582Ter; replaces glutamine 582 with a stop codon.
Molecular consequence: nonsense. On other transcripts: non-coding transcript variant (1).
Genome position (GRCh38, 1-based): chr17:80,198,484, C>T. VCF-style: chr17-80198484-C-T. GRCh37 (hg19) VCF-style: chr17-78172283-C-T.
Other names: c.1744C>T, p.Gln582Ter (NM_001257970.1, NM_024110.4); c.1033C>T, p.Gln345Ter (NM_052819.3); short protein forms Q345*, Q582*.
Identifiers: ClinVar variation 2945460 (VCV002945460.3), dbSNP rs2510681816, ClinGen allele CA401351143.